The following is an entry in ClinVar:

ClinVar aggregate classification (germline): Uncertain significance (1 of 4 stars; one submission).

Allele frequency attached by ClinVar (database versions not stated): gnomAD exomes below 0.00001.
gnomAD v4.1: 3 of 1,609,402 alleles (0.00019%); highest among the groups gnomAD compares: Non-Finnish European, 0.00025%; no homozygotes.

Submission:

CeGaT Center for Human Genetics Tuebingen
Classification: Uncertain significance. Last evaluated: 2022-08-01. Review status: criteria provided, single submitter. Criteria: CeGaT Center For Human Genetics Tuebingen Variant Classification Criteria Version 2. Collection method: clinical testing. Allele origin: germline. Affected: yes. Observed: 1 variant allele.
Comment: DNAH7: PM2, BP4

NM_018897.3(DNAH7):c.5229+3A>G

Gene: DNAH7 (dynein axonemal heavy chain 7; minus strand). Cytogenetic location: 2q32.3.
Variant type: single nucleotide variant.
Coding change: c.5229+3A>G on transcript NM_018897.3 (MANE Select); 3 bases into the intron after coding-DNA position 5229, A replaced by G.
Molecular consequence: intron variant.
Genome position (GRCh38, 1-based): chr2:195,888,796, T>C on the plus strand (A>G on the coding strand, the complement: DNAH7 is on the minus strand). VCF-style: chr2-195888796-T-C. GRCh37 (hg19) VCF-style: chr2-196753520-T-C.
Identifiers: ClinVar variation 2651778 (VCV002651778.24), dbSNP rs1559188548, ClinGen allele CA538915655.